The following is an entry in ClinVar:

ClinVar aggregate classification (germline): Uncertain significance (1 of 4 stars; one submission).

Submission:

Women's Health and Genetics/Laboratory Corporation of America, LabCorp
Classification: Uncertain significance. Last evaluated: 2025-07-09. Review status: criteria provided, single submitter. Criteria: LabCorp Variant Classification Summary - May 2015. Collection method: clinical testing. Allele origin: germline.
Comment: Variant summary: MECOM c.782C>A (p.Pro261Gln) results in a non-conservative amino acid change in the encoded protein sequence. Algorithms developed to predict the effect of missense changes on protein structure and function are either unavailable or do not agree on the potential impact of this missense change. The variant was absent in 251364 control chromosomes. The available data on variant occurrences in the general population are insufficient to allow any conclusion about variant significance. To our knowledge, no occurrence of c.782C>A in individuals affected with Radioulnar Synostosis With Amegakaryocytic Thrombocytopenia 2 and no experimental evidence demonstrating its impact on protein function have been reported. No submitters have cited clinical-significance assessments for this variant to ClinVar. Based on the evidence outlined above, the variant was classified as uncertain significance.

NM_004991.4(MECOM):c.1346C>A (p.Pro449Gln)

Gene: MECOM (MDS1 and EVI1 complex locus; minus strand). Cytogenetic location: 3q26.2.
Variant type: single nucleotide variant.
Coding change: c.1346C>A on transcript NM_004991.4 (MANE Select); coding-DNA position 1346, C replaced by A.
Protein change: p.Pro449Gln; replaces proline 449 with glutamine.
Molecular consequence: missense variant. On other transcripts: intron variant (2).
Genome position (GRCh38, 1-based): chr3:169,116,526, G>T on the plus strand (C>A on the coding strand, the complement: MECOM is on the minus strand). VCF-style: chr3-169116526-G-T. GRCh37 (hg19) VCF-style: chr3-168834314-G-T.
Other names: c.977C>A, p.Pro326Gln (NM_001105077.4); c.782C>A, p.Pro261Gln (NM_001105078.4, NM_001164000.2, NM_001205194.2 and 4 more transcripts); c.785C>A, p.Pro262Gln (NM_001163999.2, NM_001366467.2, NM_001366468.2 and 1 more transcripts); c.1346C>A, p.Pro449Gln (NM_001366466.2); c.1133-759C>A (NM_001366473.2); c.569-759C>A (NM_001366474.2); short protein forms P261Q, P262Q, P326Q, P449Q.
Identifiers: ClinVar variation 4526030 (VCV004526030.1).